The following is an entry in ClinVar:

ClinVar aggregate classification (germline): Pathogenic/Likely pathogenic. Review status: criteria provided, multiple submitters, no conflicts (2 of 4 stars). 7 submissions from 7 submitters: Pathogenic (6); Likely pathogenic (1). Last evaluated 2025-09-10.

Conditions:
PEPD-related disorder. Also called: PEPD-related condition.
Prolidase deficiency. Identifiers: Orphanet 742, MedGen C0268532, MONDO:0008221, OMIM 170100.

Allele frequency attached by ClinVar (database versions not stated): gnomAD exomes below 0.00001.
gnomAD v4.1: 1 of 1,613,568 alleles (0.000062%); no homozygotes.

Submissions (7):

Victorian Clinical Genetics Services, Murdoch Childrens Research Institute
Classification: Pathogenic for Prolidase deficiency. Last evaluated: 2025-09-10. Review status: criteria provided, single submitter. Criteria: ACMG Guidelines, 2015. Collection method: clinical testing. Allele origin: germline. Affected: yes.
Comment: This variant is classified as Pathogenic. Evidence in support of pathogenic classification: Variant is predicted to cause nonsense-mediated decay (NMD) and loss of protein (premature termination codon is located at least 54 nucleotides upstream of the final exon-exon junction); Variant is present in gnomAD <0.01 for a recessive condition (v4: 1 heterozygote, 0 homozygotes) ; This variant has strong previous evidence of pathogenicity in unrelated individuals. This variant has been classified as pathogenic and likely pathogenic by clinical laboratories in ClinVar, and reported in the literature in the homozygous state in an individual with dysmorphic facies and immune dysregulation (Clinvar, PMID: 34263393); Other NMD-predicted variants comparable to the one identified in this case have very strong previous evidence for pathogenicity. Several other NMD-predicted variants have been classified as pathogenic or likely pathogenic in ClinVar. Additional information: This variant is homozygous; This gene is associated with autosomal recessive disease; Loss of function is a known mechanism of disease in this gene and is associated with prolidase deficiency (MIM#170100); Variants in this gene are known to have variable expressivity. Prolidase deficiency (MIM#170100) is known to be associated with variable features with some rare individuals remaining asymptomatic despite biochemical disease. Most individuals develop some symptoms by four years of age and 90% by 14 years of age (PMID: 26110198).

Women's Health and Genetics/Laboratory Corporation of America, LabCorp
Classification: Pathogenic for Prolidase deficiency. Last evaluated: 2024-10-28. Review status: criteria provided, single submitter. Criteria: LabCorp Variant Classification Summary - May 2015. Collection method: clinical testing. Allele origin: germline.
Comment: Variant summary: PEPD c.418A>T (p.Lys140X) results in a premature termination codon, predicted to cause a truncation of the encoded protein or absence of the protein due to nonsense mediated decay, which are commonly known mechanisms for disease. The variant allele was found at a frequency of 4e-06 in 249296 control chromosomes. c.418A>T has been reported in the literature in a homozygous individual affected with Prolidase Deficiency (Chidambaram_2021). These data indicate that the variant is likely associated with disease. To our knowledge, no experimental evidence demonstrating an impact on protein function has been reported. The following publication has been ascertained in the context of this evaluation (PMID: 34263393). ClinVar contains an entry for this variant (Variation ID: 1324875). Based on the evidence outlined above, the variant was classified as pathogenic.

Labcorp Genetics (formerly Invitae), Labcorp
Classification: Pathogenic. Last evaluated: 2023-12-09. Review status: criteria provided, single submitter. Criteria: Invitae Variant Classification Sherloc (09022015). Collection method: clinical testing. Allele origin: germline.
Comment: This sequence change creates a premature translational stop signal (p.Lys140*) in the PEPD gene. It is expected to result in an absent or disrupted protein product. Loss-of-function variants in PEPD are known to be pathogenic (PMID: 8198124, 10721675, 12384772, 17142620). This variant is present in population databases (no rsID available, gnomAD 0.003%). This premature translational stop signal has been observed in individual(s) with clinical features of prolidase defciency (PMID: 34263393). ClinVar contains an entry for this variant (Variation ID: 1324875). For these reasons, this variant has been classified as Pathogenic.

GeneDx
Classification: Pathogenic. Last evaluated: 2023-10-31. Review status: criteria provided, single submitter. Criteria: GeneDx Variant Classification Process June 2021. Collection method: clinical testing. Allele origin: germline. Affected: yes.
Comment: Nonsense variant predicted to result in protein truncation or nonsense mediated decay in a gene for which loss of function is a known mechanism of disease; Not observed at significant frequency in large population cohorts (gnomAD); This variant is associated with the following publications: (PMID: 34263393)

Neuberg Centre For Genomic Medicine, NCGM
Classification: Likely pathogenic for Prolidase deficiency. Last evaluated: 2023-06-02. Review status: criteria provided, single submitter. Criteria: ACMG Guidelines, 2015. Collection method: clinical testing. Allele origin: germline. Inheritance: Autosomal recessive inheritance. Affected: yes.
Comment: The observed stop gained variant c.418A>T(p.Lys140Ter) in the PEPD gene has not been reported previously as a pathogenic variant nor as a benign variant, to our knowledge. This variant is reported with the allele frequency 0.0004% in the gnomAD Exomes. It is submitted to ClinVar as Pathogenic. However, no details are available for independent assessment. This variant is predicted to cause loss of normal protein function either through protein truncation or nonsense-mediated mRNA decay. Loss of function variants have been previously reported to be disease causing (Linhares ND, et al., 2021). Computational evidence (MutationTaster - Disease causing) predicts damaging effect on protein structure and function for this variant. For these reasons, this variant has been classified as Likely Pathogenic.

Blueprint Genetics
Classification: Pathogenic for PEPD-related disorders. Last evaluated: 2022-12-16. Review status: criteria provided, single submitter. Criteria: ACMG Guidelines, 2015. Collection method: clinical testing. Allele origin: germline. Affected: yes. Observed: 2 variant alleles.

Revvity Omics, Revvity
Classification: Pathogenic for Prolidase deficiency. Last evaluated: 2022-05-13. Review status: criteria provided, single submitter. Criteria: ACMG Guidelines, 2015. Collection method: clinical testing. Allele origin: germline.

Literature cited by the submitters: PubMed 26110198 (cited by Victorian Clinical Genetics Services, Murdoch Childrens Research Institute); PubMed 34263393 (cited by 3 submitters); PubMed 8198124 (cited by Labcorp Genetics (formerly Invitae), Labcorp); PubMed 10721675 (cited by Labcorp Genetics (formerly Invitae), Labcorp); PubMed 12384772 (cited by Labcorp Genetics (formerly Invitae), Labcorp); PubMed 17142620 (cited by Labcorp Genetics (formerly Invitae), Labcorp).

NM_000285.4(PEPD):c.418A>T (p.Lys140Ter)

Gene: PEPD (peptidase D; minus strand). Cytogenetic location: 19q13.11.
Variant type: single nucleotide variant.
Coding change: c.418A>T on transcript NM_000285.4 (MANE Select); coding-DNA position 418, A replaced by T.
Protein change: p.Lys140Ter; replaces lysine 140 with a stop codon.
Molecular consequence: nonsense.
Genome position (GRCh38, 1-based): chr19:33,493,313, T>A on the plus strand (A>T on the coding strand, the complement: PEPD is on the minus strand). VCF-style: chr19-33493313-T-A. GRCh37 (hg19) VCF-style: chr19-33984219-T-A.
Other names: c.418A>T (NM_000285.3); c.418A>T, p.Lys140Ter (NM_001166056.2); c.226A>T, p.Lys76Ter (NM_001166057.2); short protein forms K140*, K76*.
Identifiers: ClinVar variation 1324875 (VCV001324875.15), dbSNP rs1170952773, ClinGen allele CA405231042.